The following is an entry in ClinVar:

NM_000038.6(APC):c.6059_6062del (p.Cys2020fs)

Gene: APC (APC regulator of Wnt signaling pathway; plus strand). Cytogenetic location: 5q22.2.
Variant type: Microsatellite.
Coding change: c.6059_6062del on transcript NM_000038.6 (MANE Select); coding-DNA positions 6059 to 6062, 4 bases deleted (GTTT; older notation c.6059_6062delGTTT).
Protein change: p.Cys2020fs; shifts the reading frame from cysteine 2020.
Molecular consequence: frameshift variant.
Genome position (GRCh38, 1-based): chr5:112,841,653-112,841,656, GTTT deleted; deleting any 4 consecutive bases within chr5:112,841,649-112,841,656 gives the same sequence; the c. name uses the placement nearest the transcript's 3' end. VCF-style (leftmost placement, unchanged base first): chr5-112841648-AGTTT-A. GRCh37 (hg19) VCF-style: chr5-112177345-AGTTT-A.
Other names: c.6059_6062del, p.Cys2020fs (NM_001127510.3, NM_001354895.2); c.6005_6008del, p.Cys2002fs (NM_001127511.3); c.6113_6116del, p.Cys2038fs (NM_001354896.2); c.6089_6092del, p.Cys2030fs (NM_001354897.2); c.5984_5987del, p.Cys1995fs (NM_001354898.2); c.5975_5978del, p.Cys1992fs (NM_001354899.2); c.5936_5939del, p.Cys1979fs (NM_001354900.2); c.5882_5885del, p.Cys1961fs (NM_001354901.2); and 5 more; short protein forms C1860fs, C1919fs, C1929fs, C1961fs, C1979fs, C1995fs, C2002fs, C2030fs.
Identifiers: ClinVar variation 233077 (VCV000233077.15), dbSNP rs876660174, ClinGen allele CA10578418.

ClinVar aggregate classification (germline): Pathogenic/Likely pathogenic. Review status: criteria provided, multiple submitters, no conflicts (2 of 4 stars). 4 submissions from 4 submitters: Pathogenic (2); Likely pathogenic (2). Last evaluated 2021-06-19.

Conditions:
Familial adenomatous polyposis 1 (FAP1). Also called: FAMILIAL ADENOMATOUS POLYPOSIS 1, ATTENUATED; POLYPOSIS, ADENOMATOUS INTESTINAL. Identifiers: MedGen C2713442, MONDO:0021056, OMIM 175100. Disease mechanism: loss of function.
Hereditary cancer-predisposing syndrome. Also called: Neoplastic Syndromes, Hereditary; Tumor predisposition; Hereditary Cancer Syndrome; Hereditary neoplastic syndrome. Identifiers: Orphanet 140162, MedGen C0027672, MeSH D009386, MONDO:0015356.

Submissions (4):

Labcorp Genetics (formerly Invitae), Labcorp
Classification: Pathogenic for Familial adenomatous polyposis 1. Last evaluated: 2021-06-19. Review status: criteria provided, single submitter. Criteria: Invitae Variant Classification Sherloc (09022015). Collection method: clinical testing. Allele origin: germline.
Comment: This sequence change creates a premature translational stop signal (p.Cys2020Serfs*23) in the APC gene. While this is not anticipated to result in nonsense mediated decay, it is expected to disrupt the last 824 amino acid(s) of the APC protein. This variant is not present in population databases (ExAC no frequency). This variant has not been reported in the literature in individuals with APC-related conditions. ClinVar contains an entry for this variant (Variation ID: 233077). This variant disrupts the C-terminus of the APC protein. Other variant(s) that disrupt this region (p.Tyr2645Lysfs*14) that lies downstream of this variant has been determined to be pathogenic (PMID: 9824584, 1316610, 27081525, 8381579, 22135120, Invitae). This suggests that variants that disrupt this region of the protein are likely to be causative of disease. For these reasons, this variant has been classified as Pathogenic.

Quest Diagnostics Nichols Institute San Juan Capistrano
Classification: Likely pathogenic. Last evaluated: 2017-09-06. Review status: criteria provided, single submitter. Criteria: Quest Diagnostics criteria. Collection method: clinical testing. Allele origin: germline.

GeneDx
Classification: Likely pathogenic. Last evaluated: 2017-04-25. Review status: criteria provided, single submitter. Criteria: GeneDx Variant Classification (06012015). Collection method: clinical testing. Allele origin: germline. Affected: yes.
Comment: This deletion of 4 nucleotides in APC is denoted c.6059_6062delGTTT at the cDNA level and p.Cys2020SerfsX23 (C2020SfsX23) at the protein level. The normal sequence, with the bases that are deleted in brackets, is GTTT[delGTTT]CTCA. The deletion causes a frameshift which changes a Cysteine to a Serine at codon 2020, and creates a premature stop codon at position 23 of the new reading frame. Even though nonsense-mediated decay is not expected to occur due to the position of the variant, it is significant since the last 824 amino acids are replaced by 22 incorrect amino acids and is predicted to cause loss of normal protein function through protein truncation, resulting in the loss of several functional domains (Azzopardi 2008). This variant has not, to our knowledge, been reported in the literature. Based on the currently available information, we consider this deletion to be a likely pathogenic variant.

Ambry Genetics
Classification: Pathogenic for Hereditary cancer-predisposing syndrome. Last evaluated: 2015-07-23. Review status: criteria provided, single submitter. Criteria: Ambry Variant Classification Scheme 2023. Collection method: clinical testing. Allele origin: germline.
Comment: The c.6059_6062delGTTT pathogenic mutation, located in coding exon 15 of the APC gene, results from a deletion of 4 nucleotides between nucleotide positions 6059 and 6062, causing a translational frameshift with a predicted alternate stop codon. Since frameshifts are typically deleterious in nature, this alteration is interpreted as a disease-causing mutation (ACMG Recommendations for Standards for Interpretation and Reporting of Sequence Variations. Revision 2007. Genet Med. 2008;10:294).

Literature cited by the submitters: PubMed 9824584 (cited by Labcorp Genetics (formerly Invitae), Labcorp); PubMed 1316610 (cited by Labcorp Genetics (formerly Invitae), Labcorp); PubMed 27081525 (cited by Labcorp Genetics (formerly Invitae), Labcorp); PubMed 8381579 (cited by Labcorp Genetics (formerly Invitae), Labcorp); PubMed 22135120 (cited by Labcorp Genetics (formerly Invitae), Labcorp).